The following is an entry in ClinVar:

NM_000143.4(FH):c.185_188dup (p.Asn64fs)

Gene: FH (fumarate hydratase; minus strand). Cytogenetic location: 1q43.
Variant type: Duplication.
Coding change: c.185_188dup on transcript NM_000143.4 (MANE Select); coding-DNA positions 185 to 188, 4 bases duplicated (TGCC; older notation c.185_188dupTGCC).
Protein change: p.Asn64fs; shifts the reading frame from asparagine 64.
Molecular consequence: frameshift variant.
Genome position (GRCh38, 1-based): chr1:241,517,261-241,517,264, GGCA duplicated on the plus strand (TGCC on the coding strand, the reverse complement: FH is on the minus strand). VCF-style (leftmost placement, unchanged base first): chr1-241517260-T-TGGCA. GRCh37 (hg19) VCF-style: chr1-241680560-T-TGGCA.
Other names: c.185_188dupTGCC (NM_000143.3); short protein forms N64fs.
Identifiers: ClinVar variation 583198 (VCV000583198.9), dbSNP rs1558402255, ClinGen allele CA891843180.
Genomic context (GRCh38, chr1:241,517,260, plus strand): 5'-ACCTCCAATCTTAAAGTTCATCGTAGATCTCACGGTCTGGGCGCCATAATACTTATCATT[T>TGGCA]GGCACCTTTAGTTCACCAAAGGTATCATATTCTATCCGGAAGGAATTTTGGCTTGCCTAA-3'

ClinVar aggregate classification (germline): Pathogenic (1 of 4 stars; one submission).

Submission:

Labcorp Genetics (formerly Invitae), Labcorp
Classification: Pathogenic. Last evaluated: 2019-11-23. Review status: criteria provided, single submitter. Criteria: Invitae Variant Classification Sherloc (09022015). Collection method: clinical testing. Allele origin: germline.
Comment: For these reasons, this variant has been classified as Pathogenic. Loss-of-function variants in FH are known to be pathogenic (PMID: 11865300, 21398687). This variant has not been reported in the literature in individuals with FH-related conditions. ClinVar contains an entry for this variant (Variation ID: 583198). This variant is not present in population databases (ExAC no frequency). This sequence change creates a premature translational stop signal (p.Asn64Alafs*3) in the FH gene. It is expected to result in an absent or disrupted protein product.

Literature cited by the submitters: PubMed 11865300; PubMed 21398687.